The following is an entry in ClinVar:

NM_206937.2(LIG4):c.757_758del (p.Ile253fs)

Gene: LIG4 (DNA ligase 4; minus strand). Cytogenetic location: 13q33.3.
Variant type: Deletion.
Coding change: c.757_758del on transcript NM_206937.2 (MANE Select); coding-DNA positions 757 to 758, 2 bases deleted (AT; older notation c.757_758delAT).
Protein change: p.Ile253fs; shifts the reading frame from isoleucine 253.
Molecular consequence: frameshift variant.
Genome position (GRCh38, 1-based): chr13:108,210,511-108,210,512, AT deleted on the plus strand (AT on the coding strand, the reverse complement: LIG4 is on the minus strand); deleting any 2 consecutive bases within chr13:108,210,511-108,210,513 gives the same sequence; the c. name uses the placement nearest the transcript's 3' end. VCF-style (leftmost placement, unchanged base first): chr13-108210510-AAT-A. GRCh37 (hg19) VCF-style: chr13-108862858-AAT-A.
Other names: c.757_758del, p.Ile253fs (NM_001098268.2, NM_001352598.2, NM_001352599.2 and 6 more transcripts); c.556_557del, p.Ile186fs (NM_001330595.2); c.793_794del, p.Ile265fs (NM_001352604.2); short protein forms I265fs, I186fs, I253fs.
Identifiers: ClinVar variation 2779432 (VCV002779432.3), dbSNP rs2501616727, ClinGen allele CA2739277749.

ClinVar aggregate classification (germline): Pathogenic (1 of 4 stars; one submission).

Conditions:
DNA ligase IV deficiency. Identifiers: Orphanet 99812, MedGen C1847827, MONDO:0011686, OMIM 606593.

Submission:

Labcorp Genetics (formerly Invitae), Labcorp
Classification: Pathogenic for DNA ligase IV deficiency. Last evaluated: 2023-07-25. Review status: criteria provided, single submitter. Criteria: Invitae Variant Classification Sherloc (09022015). Collection method: clinical testing. Allele origin: germline.
Comment: This variant has not been reported in the literature in individuals affected with LIG4-related conditions. For these reasons, this variant has been classified as Pathogenic. This variant disrupts a region of the LIG4 protein in which other variant(s) (p.Gln904*) have been determined to be pathogenic (PMID: 34630384). This suggests that this is a clinically significant region of the protein, and that variants that disrupt it are likely to be disease-causing. This variant is not present in population databases (gnomAD no frequency). This sequence change creates a premature translational stop signal (p.Ile253Cysfs*4) in the LIG4 gene. While this is not anticipated to result in nonsense mediated decay, it is expected to disrupt the last 659 amino acid(s) of the LIG4 protein.

Literature cited by the submitters: PubMed 34630384.